The following is an entry in ClinVar:

ClinVar aggregate classification (germline): Uncertain significance (1 of 4 stars; one submission).

Conditions:
Brugada syndrome 5 (BRGDA5). Identifiers: Orphanet 130, Orphanet 871, MedGen C2748541, MONDO:0013015, OMIM 612838.

Submission:

Labcorp Genetics (formerly Invitae), Labcorp
Classification: Uncertain significance for Brugada syndrome 5. Last evaluated: 2022-06-08. Review status: criteria provided, single submitter. Criteria: Invitae Variant Classification Sherloc (09022015). Collection method: clinical testing. Allele origin: germline.
Comment: This variant has not been reported in the literature in individuals affected with SCN1B-related conditions. In summary, the available evidence is currently insufficient to determine the role of this variant in disease. Therefore, it has been classified as a Variant of Uncertain Significance. Algorithms developed to predict the effect of missense changes on protein structure and function are either unavailable or do not agree on the potential impact of this missense change (SIFT: "Deleterious"; PolyPhen-2: "Possibly Damaging"; Align-GVGD: "Class C0"). This variant is not present in population databases (gnomAD no frequency). This sequence change replaces cysteine, which is neutral and slightly polar, with arginine, which is basic and polar, at codon 262 of the SCN1B protein (p.Cys262Arg).

NM_001037.5(SCN1B):c.448+336T>C

Gene: SCN1B (sodium voltage-gated channel beta subunit 1; plus strand). Cytogenetic location: 19q13.11.
Variant type: single nucleotide variant.
Coding change: c.448+336T>C on transcript NM_001037.5 (MANE Select); 336 bases into the intron after coding-DNA position 448, T replaced by C.
Molecular consequence: intron variant. On other transcripts: missense variant (1).
Genome position (GRCh38, 1-based): chr19:35,034,075, T>C. VCF-style: chr19-35034075-T-C. GRCh37 (hg19) VCF-style: chr19-35524979-T-C.
Other names: c.784T>C, p.Cys262Arg (NM_199037.5); c.349+336T>C (NM_001321605.2); short protein forms C262R.
Identifiers: ClinVar variation 2003184 (VCV002003184.4), dbSNP rs2514235497, ClinGen allele CA405329843.
Genomic context (GRCh38, chr19:35,034,075, plus strand): 5'-AGGTGCCTTCTGTCTCTGAGCCAAAGGGTTGTCCTGGGCTTGCCCGGGATAATAATCCGA[T>C]GTGTTTCTCGGGGTGTGGTTTGAGCCATTCTTCCATCATGGGGTTCATGAGGATTGAGCA-3'